The following is an entry in ClinVar:

ClinVar aggregate classification (germline): Conflicting classifications of pathogenicity. Review status: criteria provided, conflicting classifications (1 of 4 stars). 2 submissions from 2 submitters: Uncertain significance (1); Likely benign (1). Last evaluated 2025-11-17.

Conditions:
Hereditary cancer-predisposing syndrome. Also called: Hereditary Cancer Syndrome; Tumor predisposition; Hereditary neoplastic syndrome; Neoplastic Syndromes, Hereditary. Identifiers: Orphanet 140162, MedGen C0027672, MeSH D009386, MONDO:0015356.

Allele frequency attached by ClinVar (database versions not stated): gnomAD exomes below 0.00001.
gnomAD v4.1: 6 of 1,613,762 alleles (0.00037%); highest among the groups gnomAD compares: Non-Finnish European, 0.00042%; no homozygotes.

Submissions (2):

Labcorp Genetics (formerly Invitae), Labcorp
Classification: Uncertain significance. Last evaluated: 2025-11-17. Review status: criteria provided, single submitter. Criteria: Invitae Variant Classification Sherloc (09022015). Collection method: clinical testing. Allele origin: germline.
Comment: This sequence change replaces arginine, which is basic and polar, with lysine, which is basic and polar, at codon 2026 of the POLE protein (p.Arg2026Lys). This variant is not present in population databases (gnomAD no frequency). This variant has not been reported in the literature in individuals affected with POLE-related conditions. ClinVar contains an entry for this variant (Variation ID: 1414265). An algorithm developed to predict the effect of missense changes on protein structure and function outputs the following: PolyPhen-2: "Benign". The lysine amino acid residue is found in multiple mammalian species, which suggests that this missense change does not adversely affect protein function. In summary, the available evidence is currently insufficient to determine the role of this variant in disease. Therefore, it has been classified as a Variant of Uncertain Significance.

Ambry Genetics
Classification: Likely benign for Hereditary cancer-predisposing syndrome. Last evaluated: 2022-04-22. Review status: criteria provided, single submitter. Criteria: Ambry Variant Classification Scheme 2023. Collection method: clinical testing. Allele origin: germline.

NM_006231.4(POLE):c.6077G>A (p.Arg2026Lys)

Gene: POLE (DNA polymerase epsilon, catalytic subunit; minus strand). Cytogenetic location: 12q24.33.
Variant type: single nucleotide variant.
Coding change: c.6077G>A on transcript NM_006231.4 (MANE Select); coding-DNA position 6077, G replaced by A.
Protein change: p.Arg2026Lys; replaces arginine 2026 with lysine.
Molecular consequence: missense variant.
Genome position (GRCh38, 1-based): chr12:132,632,723, C>T on the plus strand (G>A on the coding strand, the complement: POLE is on the minus strand). VCF-style: chr12-132632723-C-T. GRCh37 (hg19) VCF-style: chr12-133209309-C-T.
Other names: short protein forms R2026K.
Identifiers: ClinVar variation 1414265 (VCV001414265.10), dbSNP rs796605809, ClinGen allele CA246293100.